The following is an entry in ClinVar:

ClinVar aggregate classification (germline): Uncertain significance (1 of 4 stars; one submission).

Conditions:
Catecholaminergic polymorphic ventricular tachycardia (CVPT). Also called: Catecholamine-induced polymorphic ventricular tachycardia. Identifiers: Orphanet 3286, MedGen C5574922, MONDO:0017990.

Submission:

All of Us Research Program, National Institutes of Health
Classification: Uncertain significance for Catecholaminergic polymorphic ventricular tachycardia. Last evaluated: 2023-10-02. Review status: criteria provided, single submitter. Criteria: ACMG Guidelines, 2015. Collection method: clinical testing. Allele origin: germline. Inheritance: Autosomal dominant inheritance. Observed: 1 variant allele, 1 heterozygote.
Comment: This missense variant replaces leucine with serine at codon 644 of the RYR2 protein. Computational prediction suggests that this variant may have deleterious impact on protein structure and function (internally defined REVEL score threshold >= 0.7, PMID: 27666373). To our knowledge, functional studies have not been reported for this variant. This variant has not been reported in individuals affected with RYR2-related disorders in the literature. This variant has not been identified in the general population by the Genome Aggregation Database (gnomAD). The available evidence is insufficient to determine the role of this variant in disease conclusively. Therefore, this variant is classified as a Variant of Uncertain Significance.

This study involves interpretation of variants in research participants for the purpose of population health screening. Participant phenotype was not available at the time of variant classification. Additional details can be found in publication PMID: 35346344, PMCID: PMC8962531

NM_001035.3(RYR2):c.1931T>C (p.Leu644Ser)

Gene: RYR2 (ryanodine receptor 2; plus strand). Cytogenetic location: 1q43.
Variant type: single nucleotide variant.
Coding change: c.1931T>C on transcript NM_001035.3 (MANE Select); coding-DNA position 1931, T replaced by C.
Protein change: p.Leu644Ser; replaces leucine 644 with serine.
Molecular consequence: missense variant.
Genome position (GRCh38, 1-based): chr1:237,493,057, T>C. VCF-style: chr1-237493057-T-C. GRCh37 (hg19) VCF-style: chr1-237656357-T-C.
Other names: short protein forms L644S.
Identifiers: ClinVar variation 3073574 (VCV003073574.1), dbSNP rs2545803509, ClinGen allele CA345389802.